The following is an entry in ClinVar:

ClinVar aggregate classification (germline): Uncertain significance (1 of 4 stars; one submission).

Conditions:
Cardiovascular phenotype. Identifiers: MedGen CN230736.

Submission:

Ambry Genetics
Classification: Uncertain significance for Cardiovascular phenotype. Last evaluated: 2022-04-03. Review status: criteria provided, single submitter. Criteria: Ambry Variant Classification Scheme 2023. Collection method: clinical testing. Allele origin: germline.
Comment: The p.A630V variant (also known as c.1889C>T), located in coding exon 14 of the LAMA4 gene, results from a C to T substitution at nucleotide position 1889. The alanine at codon 630 is replaced by valine, an amino acid with similar properties. This amino acid position is conserved. In addition, the in silico prediction for this alteration is inconclusive. Since supporting evidence is limited at this time, the clinical significance of this alteration remains unclear.

NM_001105206.3(LAMA4):c.1910C>T (p.Ala637Val)

Gene: LAMA4 (laminin subunit alpha 4; minus strand). Cytogenetic location: 6q21.
Variant type: single nucleotide variant.
Coding change: c.1910C>T on transcript NM_001105206.3 (MANE Select); coding-DNA position 1910, C replaced by T.
Protein change: p.Ala637Val; replaces alanine 637 with valine.
Molecular consequence: missense variant.
Genome position (GRCh38, 1-based): chr6:112,155,614, G>A on the plus strand (C>T on the coding strand, the complement: LAMA4 is on the minus strand). VCF-style: chr6-112155614-G-A. GRCh37 (hg19) VCF-style: chr6-112476816-G-A.
Other names: c.1889C>T, p.Ala630Val (NM_001105207.3, NM_002290.5); short protein forms A637V, A630V.
Identifiers: ClinVar variation 1782024 (VCV001782024.2), dbSNP rs2547065839, ClinGen allele CA365364345.